The following is an entry in ClinVar:

ClinVar aggregate classification (germline): Uncertain significance (1 of 4 stars; one submission).

Conditions:
COG5-congenital disorder of glycosylation. Also called: CONGENITAL DISORDER OF GLYCOSYLATION, TYPE IIi; CDG IIi; COG5-CDG. Identifiers: Orphanet 263487, MedGen C3150876, MONDO:0013325, OMIM 613612.

gnomAD v4.1: 3 of 1,601,970 alleles (0.00019%); highest among the groups gnomAD compares: Middle Eastern, 0.018%; no homozygotes.

Submission:

Labcorp Genetics (formerly Invitae), Labcorp
Classification: Uncertain significance for COG5-congenital disorder of glycosylation. Last evaluated: 2026-01-20. Review status: criteria provided, single submitter. Criteria: Invitae Variant Classification Sherloc (09022015). Collection method: clinical testing. Allele origin: germline.
Comment: This sequence change replaces aspartic acid, which is acidic and polar, with tyrosine, which is neutral and polar, at codon 817 of the COG5 protein (p.Asp817Tyr). This variant is not present in population databases (gnomAD no frequency). This variant has not been reported in the literature in individuals affected with COG5-related conditions. Invitae Evidence Modeling of protein sequence and biophysical properties (such as structural, functional, and spatial information, amino acid conservation, physicochemical variation, residue mobility, and thermodynamic stability) indicates that this missense variant is expected to disrupt COG5 protein function with a positive predictive value of 80%. In summary, the available evidence is currently insufficient to determine the role of this variant in disease. Therefore, it has been classified as a Variant of Uncertain Significance.

NM_006348.5(COG5):c.2356G>T (p.Asp786Tyr)

Gene: COG5 (component of oligomeric golgi complex 5; minus strand). Cytogenetic location: 7q22.3.
Variant type: single nucleotide variant.
Coding change: c.2356G>T on transcript NM_006348.5 (MANE Select); coding-DNA position 2356, G replaced by T.
Protein change: p.Asp786Tyr; replaces aspartic acid 786 with tyrosine.
Molecular consequence: missense variant. On other transcripts: intron variant (1).
Genome position (GRCh38, 1-based): chr7:107,210,545, C>A on the plus strand (G>T on the coding strand, the complement: COG5 is on the minus strand). VCF-style: chr7-107210545-C-A. GRCh37 (hg19) VCF-style: chr7-106850990-C-A.
Other names: c.2356G>T, p.Asp786Tyr (NM_001161520.2); c.2194G>T, p.Asp732Tyr (NM_001379511.1); c.2182G>T, p.Asp728Tyr (NM_001379512.1); c.2041G>T, p.Asp681Tyr (NM_001379514.1); c.1786G>T, p.Asp596Tyr (NM_001379515.1); c.1642G>T, p.Asp548Tyr (NM_001379516.1); c.2293G>T, p.Asp765Tyr (NM_181733.4); c.2169-6915G>T (NM_001379513.1); short protein forms D548Y, D728Y, D732Y, D765Y, D596Y, D681Y, D786Y.
Identifiers: ClinVar variation 4741140 (VCV004741140.1).